The following is an entry in ClinVar:

NM_001110556.2(FLNA):c.5870C>T (p.Ser1957Phe)

Gene: FLNA (filamin A; minus strand). Cytogenetic location: Xq28.
Variant type: single nucleotide variant.
Coding change: c.5870C>T on transcript NM_001110556.2 (MANE Select); coding-DNA position 5870, C replaced by T.
Protein change: p.Ser1957Phe; replaces serine 1957 with phenylalanine.
Molecular consequence: missense variant.
Genome position (GRCh38, 1-based): chrX:154,353,448, G>A on the plus strand (C>T on the coding strand, the complement: FLNA is on the minus strand). VCF-style: chrX-154353448-G-A. GRCh37 (hg19) VCF-style: chrX-153581816-G-A.
Other names: c.5846C>T, p.Ser1949Phe (NM_001456.4); short protein forms S1949F, S1957F.
Identifiers: ClinVar variation 3750362 (VCV003750362.2).

ClinVar aggregate classification (germline): Uncertain significance (1 of 4 stars; one submission).

Conditions:
Melnick-Needles syndrome (MNS). Also called: MELNICK-NEEDLES OSTEODYSPLASTY; OSTEODYSPLASTY OF MELNICK AND NEEDLES; Melnick-Needles Syndrome (FLNA-MNS). Identifiers: Orphanet 2484, MedGen C0025237, MONDO:0010650, OMIM 309350.
Frontometaphyseal dysplasia (FMD1). Identifiers: Orphanet 1826, MedGen C0265293, MONDO:0015942.
Heterotopia, periventricular, X-linked dominant (PVNH1). Also called: PERIVENTRICULAR NODULAR HETEROTOPIA 1; X-linked periventricular heterotopia; PERIVENTRICULAR NODULAR HETEROTOPIA 4; HETEROTOPIA, PERIVENTRICULAR, 1. Identifiers: Orphanet 2149, Orphanet 82004, MedGen C1848213, MONDO:0010233, OMIM 300049.
Oto-palato-digital syndrome, type II (OPD2). Also called: FACIOPALATOOSSEOUS SYNDROME; OPD II SYNDROME; Otopalatodigital Syndrome, Type II; Otopalatodigital Syndrome Type 2 (FLNA-OPD2). Identifiers: Orphanet 669, Orphanet 90652, MedGen C1844696, MONDO:0010571, OMIM 304120.

gnomAD v4.1: 2 of 1,210,357 alleles (0.00017%); highest among the groups gnomAD compares: African/African-American, 0.0017%; no homozygotes.

Submission:

Labcorp Genetics (formerly Invitae), Labcorp
Classification: Uncertain significance for Oto-palato-digital syndrome, type II; Heterotopia, periventricular, X-linked dominant; Frontometaphyseal dysplasia; Melnick-Needles syndrome. Last evaluated: 2024-08-13. Review status: criteria provided, single submitter. Criteria: Invitae Variant Classification Sherloc (09022015). Collection method: clinical testing. Allele origin: germline.
Comment: This sequence change replaces serine, which is neutral and polar, with phenylalanine, which is neutral and non-polar, at codon 1949 of the FLNA protein (p.Ser1949Phe). This variant is not present in population databases (gnomAD no frequency). This variant has not been reported in the literature in individuals affected with FLNA-related conditions. Invitae Evidence Modeling of protein sequence and biophysical properties (such as structural, functional, and spatial information, amino acid conservation, physicochemical variation, residue mobility, and thermodynamic stability) indicates that this missense variant is not expected to disrupt FLNA protein function with a negative predictive value of 95%. In summary, the available evidence is currently insufficient to determine the role of this variant in disease. Therefore, it has been classified as a Variant of Uncertain Significance.